The following is an entry in ClinVar:

ClinVar aggregate classification (germline): Likely pathogenic. Review status: criteria provided, single submitter (1 of 4 stars). 2 submissions from 2 submitters: Likely pathogenic (1). 1 of the submissions does not count toward it. Last evaluated 2024-01-02.

Conditions:
Ellis-van Creveld syndrome (EVC). Also called: EVC2-Related Ellis-van Creveld Syndrome; EVC-Related Ellis-van Creveld Syndrome; MESOECTODERMAL DYSPLASIA; Chondroectodermal dysplasia. Identifiers: Orphanet 289, MedGen C0013903, MONDO:0009162, OMIM 225500.
Curry-Hall syndrome (WAD). Also called: WEYERS ACRODENTAL DYSOSTOSIS. Identifiers: Orphanet 952, MedGen C0457013, MONDO:0008673, OMIM 193530.

Allele frequency attached by ClinVar (database versions not stated): ExAC below 0.00001; gnomAD 0.00001; gnomAD exomes 0.00001 and 0.00002; TOPMed 0.00001.
gnomAD v4.1: 24 of 1,560,022 alleles (0.0015%); highest among the groups gnomAD compares: Non-Finnish European, 0.002%; no homozygotes.

Submissions (2):

Labcorp Genetics (formerly Invitae), Labcorp
Classification: Likely pathogenic for Curry-Hall syndrome; Ellis-van Creveld syndrome. Last evaluated: 2024-01-02. Review status: criteria provided, single submitter. Criteria: Invitae Variant Classification Sherloc (09022015). Collection method: clinical testing. Allele origin: germline.
Comment: This sequence change affects an acceptor splice site in intron 14 of the EVC gene. It is expected to disrupt RNA splicing. Variants that disrupt the donor or acceptor splice site typically lead to a loss of protein function (PMID: 16199547), and loss-of-function variants in EVC are known to be pathogenic (PMID: 23220543). This variant is present in population databases (rs773019082, gnomAD 0.003%). This variant has not been reported in the literature in individuals affected with EVC-related conditions. ClinVar contains an entry for this variant (Variation ID: 554844). Algorithms developed to predict the effect of sequence changes on RNA splicing suggest that this variant may disrupt the consensus splice site. In summary, the currently available evidence indicates that the variant is pathogenic, but additional data are needed to prove that conclusively. Therefore, this variant has been classified as Likely Pathogenic.

Counsyl
Classification: Likely pathogenic for Ellis-van Creveld syndrome. Last evaluated: 2017-11-08. Review status: no assertion criteria provided. Collection method: clinical testing. Allele origin: unknown. Not counted in ClinVar's aggregate classification.

Literature cited by the submitters: PubMed 16199547 (cited by Labcorp Genetics (formerly Invitae), Labcorp); PubMed 23220543 (cited by Labcorp Genetics (formerly Invitae), Labcorp).

NM_153717.3(EVC):c.2098-1G>A

Gene: EVC (EvC ciliary complex subunit 1; plus strand). Cytogenetic location: 4p16.2.
Variant type: single nucleotide variant.
Coding change: c.2098-1G>A on transcript NM_153717.3 (MANE Select); the canonical splice acceptor site of the intron before coding-DNA position 2098, G replaced by A.
Molecular consequence: splice acceptor variant.
Genome position (GRCh38, 1-based): chr4:5,798,585, G>A. VCF-style: chr4-5798585-G-A. GRCh37 (hg19) VCF-style: chr4-5800312-G-A.
Other names: c.2098-1G>A (NM_001306090.2).
Identifiers: ClinVar variation 554844 (VCV000554844.7), dbSNP rs773019082, ClinGen allele CA2836388.
Genomic context (GRCh38, chr4:5,798,585, plus strand): 5'-TGGCCAGAGCTTCTCTGTGAGAGGAGCACTTGGCCCCTGCTCCCAGTCCTTTCCCTCCCA[G>A]GAGGCGCGTGTGCTGGAGGAGGCCAGCCGGCTAGAGGAGGAAGCACAGCAGACACGGCTG-3'